The following is an entry in ClinVar:

NM_205836.3(FBXO38):c.2680G>A (p.Ala894Thr)

Gene: FBXO38 (F-box protein 38; plus strand). Cytogenetic location: 5q32.
Variant type: single nucleotide variant.
Coding change: c.2680G>A on transcript NM_205836.3 (MANE Select); coding-DNA position 2680, G replaced by A.
Protein change: p.Ala894Thr; replaces alanine 894 with threonine.
Molecular consequence: missense variant.
Genome position (GRCh38, 1-based): chr5:148,433,450, G>A. VCF-style: chr5-148433450-G-A. GRCh37 (hg19) VCF-style: chr5-147813013-G-A.
Other names: p.Ala819Thr; c.1945G>A, p.Ala649Thr (NM_001271723.2); c.2455G>A, p.Ala819Thr (NM_030793.5); short protein forms A649T, A819T, A894T.
Identifiers: ClinVar variation 473956 (VCV000473956.17), dbSNP rs11949133, ClinGen allele CA3497571.
Genomic context (GRCh38, chr5:148,433,450, plus strand): 5'-AAATTTGGATTTTCTTTTTTTTTGCCTTTTTTAGAAGTAGCCAAAACAAAGCCACGTCAC[G>A]CCATGAAACGGAAGCGGACAGCAGATAAATCCACTAGTACAAGTGATCCTGTGATCGAGG-3'
Protein context (NP_995308.1, residues 884-904): SEVAKTKPRH[Ala894Thr]MKRKRTADKS

ClinVar aggregate classification (germline): Benign. Review status: criteria provided, multiple submitters, no conflicts (2 of 4 stars). 3 submissions from 3 submitters: Benign (3). Last evaluated 2026-01-28.

Conditions:
Distal hereditary motor neuropathy type 2. Identifiers: Orphanet 139525, MedGen C3711384, MeSH C580044, MONDO:0015352.

Allele frequency attached by ClinVar (database versions not stated): gnomAD exomes 0.00801; ExAC 0.00958; gnomAD 0.03033 and 0.03254; ESP Exome Variant Server 0.03283; TOPMed 0.03291; 1000 Genomes Project 0.03714; 1000 Genomes Project 30x 0.03795.
gnomAD v4.1: 9,242 of 1,613,296 alleles (0.57%); highest among the groups gnomAD compares: African/African-American, 10%; 422 homozygotes.

Submissions (3):

Labcorp Genetics (formerly Invitae), Labcorp
Classification: Benign for Distal hereditary motor neuropathy type 2. Last evaluated: 2026-01-28. Review status: criteria provided, single submitter. Criteria: Invitae Variant Classification Sherloc (09022015). Collection method: clinical testing. Allele origin: germline.

Mayo Clinic Laboratories, Mayo Clinic
Classification: Benign. Last evaluated: 2023-03-15. Review status: criteria provided, single submitter. Criteria: ACMG Guidelines, 2015. Collection method: clinical testing. Allele origin: germline. Observed: 16 variant alleles.
Comment: BA1

GeneDx
Classification: Benign. Last evaluated: 2021-05-06. Review status: criteria provided, single submitter. Criteria: GeneDx Variant Classification Process June 2021. Collection method: clinical testing. Allele origin: germline. Affected: yes.